The following is an entry in ClinVar:

NC_000009.11:g.(?_131402950)_(131403238_?)del

Gene: DYNC2I2 (dynein 2 intermediate chain 2; minus strand). Cytogenetic location: 9q34.11.
Variant type: Deletion.
Identifiers: ClinVar variation 1681159 (VCV001681159.4).

ClinVar aggregate classification (germline): Uncertain significance (1 of 4 stars; one submission).

Conditions:
Short-rib thoracic dysplasia 11 with or without polydactyly (SRTD11). Also called: SHORT-RIB THORACIC DYSPLASIA 11 WITHOUT POLYDACTYLY. Identifiers: Orphanet 474, Orphanet 93271, MedGen C3810200, MONDO:0014287, OMIM 615633.

Submission:

Labcorp Genetics (formerly Invitae), Labcorp
Classification: Uncertain significance for Short-rib thoracic dysplasia 11 with or without polydactyly. Last evaluated: 2021-08-28. Review status: criteria provided, single submitter. Criteria: Invitae Variant Classification Sherloc (09022015). Collection method: clinical testing. Allele origin: germline.
Comment: In summary, the available evidence is currently insufficient to determine the role of this variant in disease. Therefore, it has been classified as a Variant of Uncertain Significance. Experimental studies and prediction algorithms are not available or were not evaluated, and the functional significance of this variant is currently unknown. This variant has not been reported in the literature in individuals affected with WDR34-related conditions. This variant is a gross deletion of the genomic region encompassing exon(s) 2 of the WDR34 gene. This variant would be expected to be in-frame, preserving the integrity of the reading frame.